The following is an entry in ClinVar:

ClinVar aggregate classification (germline): Conflicting classifications of pathogenicity. Review status: criteria provided, conflicting classifications (1 of 4 stars). 4 submissions from 4 submitters: Uncertain significance (2); Likely benign (2). Last evaluated 2025-11-04.

Conditions:
RIPOR2-related disorder. Also called: RIPOR2-related condition.

Allele frequency attached by ClinVar (database versions not stated): ExAC 0.00028; gnomAD 0.00031 and 0.00037; gnomAD exomes 0.00035; 1000 Genomes Project 30x 0.00047; 1000 Genomes Project 0.00060.
gnomAD v4.1: 538 of 1,550,936 alleles (0.035%); highest among the groups gnomAD compares: East Asian, 0.34%; no homozygotes.

Submissions (4):

Labcorp Genetics (formerly Invitae), Labcorp
Classification: Uncertain significance. Last evaluated: 2025-11-04. Review status: criteria provided, single submitter. Criteria: Invitae Variant Classification Sherloc (09022015). Collection method: clinical testing. Allele origin: germline.
Comment: This sequence change replaces glycine, which is neutral and non-polar, with serine, which is neutral and polar, at codon 895 of the FAM65B protein (p.Gly895Ser). This variant is present in population databases (rs140410062, gnomAD 0.2%), and has an allele count higher than expected for a pathogenic variant. This variant has not been reported in the literature in individuals affected with FAM65B-related conditions. ClinVar contains an entry for this variant (Variation ID: 1317086). An algorithm developed to predict the effect of missense changes on protein structure and function (PolyPhen-2) suggests that this variant is likely to be tolerated. In summary, the available evidence is currently insufficient to determine the role of this variant in disease. Therefore, it has been classified as a Variant of Uncertain Significance.

Ambry Genetics
Classification: Uncertain significance. Last evaluated: 2025-06-07. Review status: criteria provided, single submitter. Criteria: Ambry Variant Classification Scheme 2023. Collection method: clinical testing. Allele origin: germline.

PreventionGenetics, part of Exact Sciences
Classification: Likely benign for RIPOR2-related condition. Last evaluated: 2024-12-27. Review status: criteria provided, single submitter. Criteria: ACMG Guidelines, 2015. Collection method: clinical testing. Allele origin: germline.
Comment: This variant is classified as likely benign based on ACMG/AMP sequence variant interpretation guidelines (Richards et al. 2015 PMID: 25741868, with internal and published modifications).

GeneDx
Classification: Likely benign. Last evaluated: 2020-04-13. Review status: criteria provided, single submitter. Criteria: GeneDx Variant Classification Process June 2021. Collection method: clinical testing. Allele origin: germline. Affected: yes.

NM_001286445.3(RIPOR2):c.2620G>A (p.Gly874Ser)

Gene: RIPOR2 (RHO family interacting cell polarization regulator 2; minus strand). Cytogenetic location: 6p22.3.
Variant type: single nucleotide variant.
Coding change: c.2620G>A on transcript NM_001286445.3 (MANE Select); coding-DNA position 2620, G replaced by A.
Protein change: p.Gly874Ser; replaces glycine 874 with serine.
Molecular consequence: missense variant.
Genome position (GRCh38, 1-based): chr6:24,828,182, C>T on the plus strand (G>A on the coding strand, the complement: RIPOR2 is on the minus strand). VCF-style: chr6-24828182-C-T. GRCh37 (hg19) VCF-style: chr6-24828410-C-T.
Other names: c.2683G>A (NM_014722.4, NM_014722.2); c.2533G>A, p.Gly845Ser (NM_001346031.2, NM_001346032.2); c.2683G>A, p.Gly895Ser (NM_014722.5); short protein forms G845S, G874S, G895S.
Identifiers: ClinVar variation 1317086 (VCV001317086.11), dbSNP rs140410062, ClinGen allele CA3659092.